The following is an entry in ClinVar:

NM_001041.4(SI):c.2900C>T (p.Ser967Phe)

Gene: SI (sucrase-isomaltase; minus strand). Cytogenetic location: 3q26.1.
Variant type: single nucleotide variant.
Coding change: c.2900C>T on transcript NM_001041.4 (MANE Select); coding-DNA position 2900, C replaced by T.
Protein change: p.Ser967Phe; replaces serine 967 with phenylalanine.
Molecular consequence: missense variant.
Genome position (GRCh38, 1-based): chr3:165,023,769, G>A on the plus strand (C>T on the coding strand, the complement: SI is on the minus strand). VCF-style: chr3-165023769-G-A. GRCh37 (hg19) VCF-style: chr3-164741557-G-A.
Other names: short protein forms S967F.
Identifiers: ClinVar variation 2185133 (VCV002185133.5), dbSNP rs1431852303, ClinGen allele CA355042683.

ClinVar aggregate classification (germline): Uncertain significance. Review status: criteria provided, multiple submitters, no conflicts (2 of 4 stars). 2 submissions from 2 submitters: Uncertain significance (2). Last evaluated 2024-01-08.

Conditions:
Sucrase-isomaltase deficiency (CSID). Also called: SI DEFICIENCY; Congenital sucrose isomaltose malabsorption; Sucrose isomaltose enzyme deficiency; Deficiency of isomaltase. Identifiers: Orphanet 35122, MedGen C1283620, MONDO:0009114, OMIM 222900.

Allele frequency attached by ClinVar (database versions not stated): gnomAD exomes below 0.00001; gnomAD 0.00001.
gnomAD v4.1: 4 of 1,608,804 alleles (0.00025%); highest among the groups gnomAD compares: African/African-American, 0.004%; no homozygotes.

Submissions (2):

Fulgent Genetics
Classification: Uncertain significance for Sucrase-isomaltase deficiency. Last evaluated: 2024-01-08. Review status: criteria provided, single submitter. Criteria: ACMG Guidelines, 2015. Collection method: clinical testing. Allele origin: germline.

Labcorp Genetics (formerly Invitae), Labcorp
Classification: Uncertain significance. Last evaluated: 2022-07-23. Review status: criteria provided, single submitter. Criteria: Invitae Variant Classification Sherloc (09022015). Collection method: clinical testing. Allele origin: germline.
Comment: This sequence change replaces serine, which is neutral and polar, with phenylalanine, which is neutral and non-polar, at codon 967 of the SI protein (p.Ser967Phe). This variant is present in population databases (no rsID available, gnomAD 0.007%). This variant has not been reported in the literature in individuals affected with SI-related conditions. Advanced modeling of protein sequence and biophysical properties (such as structural, functional, and spatial information, amino acid conservation, physicochemical variation, residue mobility, and thermodynamic stability) performed at Invitae indicates that this missense variant is not expected to disrupt SI protein function. In summary, the available evidence is currently insufficient to determine the role of this variant in disease. Therefore, it has been classified as a Variant of Uncertain Significance.